The following is an entry in ClinVar:

NM_004318.4(ASPH):c.1285A>G (p.Arg429Gly)

Gene: ASPH (aspartate beta-hydroxylase; minus strand). Cytogenetic location: 8q12.3.
Variant type: single nucleotide variant.
Coding change: c.1285A>G on transcript NM_004318.4 (MANE Select); coding-DNA position 1285, A replaced by G.
Protein change: p.Arg429Gly; replaces arginine 429 with glycine.
Molecular consequence: missense variant. On other transcripts: intron variant (1).
Genome position (GRCh38, 1-based): chr8:61,567,183, T>C on the plus strand (A>G on the coding strand, the complement: ASPH is on the minus strand). VCF-style: chr8-61567183-T-C. GRCh37 (hg19) VCF-style: chr8-62479742-T-C.
Other names: c.1198A>G, p.Arg400Gly (NM_001164750.2, NM_001413864.1, NM_001413865.1 and 1 more transcripts); c.1285A>G, p.Arg429Gly (NM_001413844.1, NM_001413849.1, NM_001413891.1); c.1330A>G, p.Arg444Gly (NM_001413845.1); c.1327A>G, p.Arg443Gly (NM_001413846.1); c.1243A>G, p.Arg415Gly (NM_001413856.1, NM_001413854.1, NM_001413855.1); c.1240A>G, p.Arg414Gly (NM_001413857.1); c.1237A>G, p.Arg413Gly (NM_001413858.1); c.1156A>G, p.Arg386Gly (NM_001413859.1, NM_001413871.1, NM_001413872.1 and 1 more transcripts); and 33 more; short protein forms R225G, R296G, R327G, R342G, R381G, R401G, R404G, R415G.
Identifiers: ClinVar variation 4775085 (VCV004775085.1).
Genomic context (GRCh38, chr8:61,567,183, plus strand): 5'-AAACATATGCCATTTCCTACTGAATTACCTTTGATTGCATCTTACCTAGAAATTGTTGCC[T>C]GTCTGAGCGACGCTTCAAACTCAGCTTCAGCAGGTCTGCAGGGACATCAGGTAGGCTGGC-3'
Protein context (NP_004309.2, residues 419-439): LKLSLKRRSD[Arg429Gly]QQFLGHMRGS

ClinVar aggregate classification (germline): Uncertain significance (1 of 4 stars; one submission).

Submission:

Labcorp Genetics (formerly Invitae), Labcorp
Classification: Uncertain significance. Last evaluated: 2025-03-07. Review status: criteria provided, single submitter. Criteria: Invitae Variant Classification Sherloc (09022015). Collection method: clinical testing. Allele origin: germline.
Comment: This sequence change replaces arginine, which is basic and polar, with glycine, which is neutral and non-polar, at codon 429 of the ASPH protein (p.Arg429Gly). This variant is not present in population databases (gnomAD no frequency). This variant has not been reported in the literature in individuals affected with ASPH-related conditions. An algorithm developed to predict the effect of missense changes on protein structure and function (PolyPhen-2) suggests that this variant is likely to be disruptive. In summary, the available evidence is currently insufficient to determine the role of this variant in disease. Therefore, it has been classified as a Variant of Uncertain Significance.